The following is an entry in ClinVar:

ClinVar aggregate classification (germline): Uncertain significance (1 of 4 stars; one submission).

Conditions:
Dystonia 16 (DYT16). Also called: DYT-PRKRA. Identifiers: Orphanet 210571, MedGen C2677567, MONDO:0012789, OMIM 612067.

Submission:

Neuberg Centre For Genomic Medicine, NCGM
Classification: Uncertain significance for Dystonia 16. Review status: criteria provided, single submitter. Criteria: ACMG Guidelines, 2015. Collection method: clinical testing. Allele origin: germline. Inheritance: Autosomal recessive inheritance. Affected: yes.
Comment: The missense variant p.C54F in PRKRA (NM_003690.5) has not been reported previously as a pathogenic variant nor as a benign variant, to our knowledge. The p.C54F variant is novel (not in any individuals) in gnomAD Exomes and is novel (not in any individuals) in 1000 Genomes. There is a large physicochemical difference between cysteine and phenylalanine, which is likely to impact secondary protein structure as these residues differ in polarity, charge, size and/or other properties. The p.C54F missense variant is predicted to be tolerated by both SIFT or PolyPhen2. The phenylalanine residue at codon 54 of PRKRA is present in Opossum and 2 other mammalian species. For these reasons, this variant has been classified as Uncertain Significance.

NM_003690.5(PRKRA):c.161G>T (p.Cys54Phe)

Gene: PRKRA (protein activator of interferon induced protein kinase EIF2AK2; minus strand). Cytogenetic location: 2q31.2.
Variant type: single nucleotide variant.
Coding change: c.161G>T on transcript NM_003690.5 (MANE Select); coding-DNA position 161, G replaced by T.
Protein change: p.Cys54Phe; replaces cysteine 54 with phenylalanine.
Molecular consequence: missense variant. On other transcripts: 5 prime UTR variant (1).
Genome position (GRCh38, 1-based): chr2:178,450,316, C>A on the plus strand (G>T on the coding strand, the complement: PRKRA is on the minus strand). VCF-style: chr2-178450316-C-A. GRCh37 (hg19) VCF-style: chr2-179315043-C-A.
Other names: c.128G>T, p.Cys43Phe (NM_001139517.2); c.86G>T, p.Cys29Phe (NM_001139518.2); c.-289G>T (NM_001316362.2); short protein forms C29F, C43F, C54F.
Identifiers: ClinVar variation 2627513 (VCV002627513.1), dbSNP rs768718101, ClinGen allele CA349396180.
Genomic context (GRCh38, chr2:178,450,316, plus strand): 5'-TCACCAACGGTTACTCTGAAGGTGAAAGTGGGCACGTGTATTTGCACATCAGATCTTTCA[C>A]ATTCATAAACTGGGATGTTCTTGGTCTTCATGCCGTATTCGTGTAATACCTGAATCGGTG-3'
Protein context (NP_003681.1, residues 44-64): MKTKNIPVYE[Cys54Phe]ERSDVQIHVP